The following is an entry in ClinVar:

ClinVar aggregate classification (germline): Uncertain significance. Review status: criteria provided, multiple submitters, no conflicts (2 of 4 stars). 3 submissions from 3 submitters: Uncertain significance (3). Last evaluated 2026-01-19.

Conditions:
Hereditary cancer-predisposing syndrome. Also called: Neoplastic Syndromes, Hereditary; Tumor predisposition; Hereditary Cancer Syndrome; Hereditary neoplastic syndrome. Identifiers: Orphanet 140162, MedGen C0027672, MeSH D009386, MONDO:0015356.
Familial adenomatous polyposis 3. Also called: NTHL1-associated polyposis; NTHL1 Tumor Syndrome; NTHL1-Related Adenomatous Polyposis and Colorectal Cancer; NTHL1-related attenuated familial adenomatous polyposis. Identifiers: Orphanet 220460, Orphanet 454840, MedGen C4225157, MONDO:0014630, OMIM 616415.

Allele frequency attached by ClinVar (database versions not stated): TOPMed 0.00001.

Submissions (3):

Labcorp Genetics (formerly Invitae), Labcorp
Classification: Uncertain significance. Last evaluated: 2026-01-19. Review status: criteria provided, single submitter. Criteria: Invitae Variant Classification Sherloc (09022015). Collection method: clinical testing. Allele origin: germline.
Comment: This sequence change replaces arginine, which is basic and polar, with leucine, which is neutral and non-polar, at codon 128 of the NTHL1 protein (p.Arg128Leu). This variant is not present in population databases (gnomAD no frequency). This variant has not been reported in the literature in individuals affected with NTHL1-related conditions. ClinVar contains an entry for this variant (Variation ID: 945124). An algorithm developed to predict the effect of missense changes on protein structure and function (PolyPhen-2) suggests that this variant is likely to be tolerated. In summary, the available evidence is currently insufficient to determine the role of this variant in disease. Therefore, it has been classified as a Variant of Uncertain Significance.

Ambry Genetics
Classification: Uncertain significance for Hereditary cancer-predisposing syndrome. Last evaluated: 2024-02-10. Review status: criteria provided, single submitter. Criteria: Ambry Variant Classification Scheme 2023. Collection method: clinical testing. Allele origin: germline.
Comment: The p.R128L variant (also known as c.383G>T), located in coding exon 3 of the NTHL1 gene, results from a G to T substitution at nucleotide position 383. The arginine at codon 128 is replaced by leucine, an amino acid with dissimilar properties. This amino acid position is conserved. In addition, the in silico prediction for this alteration is inconclusive. Since supporting evidence is limited at this time, the clinical significance of this alteration remains unclear.

Baylor Genetics
Classification: Uncertain significance for Familial adenomatous polyposis 3. Last evaluated: 2023-12-28. Review status: criteria provided, single submitter. Criteria: ACMG Guidelines, 2015. Collection method: clinical testing. Allele origin: unknown.

NM_002528.7(NTHL1):c.359G>T (p.Arg120Leu)

Gene: NTHL1 (nth like DNA glycosylase 1; minus strand). Cytogenetic location: 16p13.3.
Variant type: single nucleotide variant.
Coding change: c.359G>T on transcript NM_002528.7 (MANE Select); coding-DNA position 359, G replaced by T.
Protein change: p.Arg120Leu; replaces arginine 120 with leucine.
Molecular consequence: missense variant. On other transcripts: intron variant (1).
Genome position (GRCh38, 1-based): chr16:2,044,796, C>A on the plus strand (G>T on the coding strand, the complement: NTHL1 is on the minus strand). VCF-style: chr16-2044796-C-A. GRCh37 (hg19) VCF-style: chr16-2094797-C-A.
Other names: c.29G>T, p.Arg10Leu (NM_001318194.2); c.355-1070G>T (NM_001318193.2); short protein forms R10L, R120L.
Identifiers: ClinVar variation 945124 (VCV000945124.11), dbSNP rs1324289477, ClinGen allele CA394294798.